The following is an entry in ClinVar:

NM_170606.3(KMT2C):c.9857C>T (p.Pro3286Leu)

Gene: KMT2C (lysine methyltransferase 2C; minus strand). Cytogenetic location: 7q36.1.
Variant type: single nucleotide variant.
Coding change: c.9857C>T on transcript NM_170606.3 (MANE Select); coding-DNA position 9857, C replaced by T.
Protein change: p.Pro3286Leu; replaces proline 3286 with leucine.
Molecular consequence: missense variant.
Genome position (GRCh38, 1-based): chr7:152,163,720, G>A on the plus strand (C>T on the coding strand, the complement: KMT2C is on the minus strand). VCF-style: chr7-152163720-G-A. GRCh37 (hg19) VCF-style: chr7-151860805-G-A.
Other names: short protein forms P3286L.
Identifiers: ClinVar variation 1495246 (VCV001495246.8), dbSNP rs1429572921, ClinGen allele CA370105742.
Genomic context (GRCh38, chr7:152,163,720, plus strand): 5'-ATGGGAAAGGTGGGTTGGCTCATGGTGGGTGGAGTGGCACCTGGAATTAGGGGTGGCTGG[G>A]GCTGGACACTGGGCATCATGGTAGGTGGGGCCATTGCACATTGCTGCTGCTGTTTGATCC-3'
Protein context (NP_733751.2, residues 3276-3296): APPTMMPSVQ[Pro3286Leu]QPPLIPGATP

ClinVar aggregate classification (germline): Uncertain significance (1 of 4 stars; one submission).

Allele frequency attached by ClinVar (database versions not stated): gnomAD exomes below 0.00001.
gnomAD v4.1: 6 of 1,614,192 alleles (0.00037%); highest among the groups gnomAD compares: African/African-American, 0.0013%; no homozygotes.

Submission:

Labcorp Genetics (formerly Invitae), Labcorp
Classification: Uncertain significance. Last evaluated: 2021-04-06. Review status: criteria provided, single submitter. Criteria: Invitae Variant Classification Sherloc (09022015). Collection method: clinical testing. Allele origin: germline.
Comment: In summary, the available evidence is currently insufficient to determine the role of this variant in disease. Therefore, it has been classified as a Variant of Uncertain Significance. Algorithms developed to predict the effect of missense changes on protein structure and function are either unavailable or do not agree on the potential impact of this missense change (SIFT: "Deleterious"; PolyPhen-2: "Benign"; Align-GVGD: "Class C0"). This variant has not been reported in the literature in individuals with KMT2C-related conditions. This variant is not present in population databases (ExAC no frequency). This sequence change replaces proline with leucine at codon 3286 of the KMT2C protein (p.Pro3286Leu). The proline residue is moderately conserved and there is a moderate physicochemical difference between proline and leucine.